The following is an entry in ClinVar:

ClinVar aggregate classification (germline): Pathogenic (1 of 4 stars; one submission).

Conditions:
Autosomal recessive nonsyndromic hearing loss 77. Identifiers: Orphanet 90636, MedGen C2746083, MONDO:0013119, OMIM 613079.

gnomAD v4.1: 1 of 1,551,260 alleles (0.000064%); highest among the groups gnomAD compares: East Asian, 0.0024%; no homozygotes.

Submission:

Myriad Genetics, Inc.
Classification: Pathogenic for Autosomal recessive nonsyndromic hearing loss 77. Last evaluated: 2025-08-12. Review status: criteria provided, single submitter. Criteria: Myriad Autosomal Dominant, Autosomal Recessive and X-Linked Classification Criteria (2023). Collection method: clinical testing. Allele origin: unknown.
Comment: NM_144612.6(LOXHD1):c.747G>A(W249*) is expected to be pathogenic in the context of nonsyndromic hearing loss, LOXHD1-related. This variant is predicted to lead to an abnormal or absent protein product due to the creation of a premature termination codon in LOXHD1, a gene where loss-of-function variants are known to be pathogenic. Please note: this variant was assessed in the context of healthy population screening.

NM_001384474.1(LOXHD1):c.747G>A (p.Trp249Ter)

Gene: LOXHD1 (lipoxygenase homology PLAT domains 1; minus strand). Cytogenetic location: 18q21.1.
Variant type: single nucleotide variant.
Coding change: c.747G>A on transcript NM_001384474.1 (MANE Select); coding-DNA position 747, G replaced by A.
Protein change: p.Trp249Ter; replaces tryptophan 249 with a stop codon.
Molecular consequence: nonsense.
Genome position (GRCh38, 1-based): chr18:46,610,788, C>T on the plus strand (G>A on the coding strand, the complement: LOXHD1 is on the minus strand). VCF-style: chr18-46610788-C-T. GRCh37 (hg19) VCF-style: chr18-44190751-C-T.
Other names: c.747G>A, p.Trp249Ter (NM_144612.7); short protein forms W249*.
Identifiers: ClinVar variation 5014857 (VCV005014857.1).